The following is an entry in ClinVar:

ClinVar aggregate classification (germline): Uncertain significance (1 of 4 stars; one submission).

Conditions:
Periodic fever-infantile enterocolitis-autoinflammatory syndrome. Also called: Autoinflammation with infantile enterocolitis. Identifiers: Orphanet 436166, MedGen C4015067, MONDO:0014472, OMIM 616050.
Familial cold autoinflammatory syndrome 4 (FCAS4). Identifiers: Orphanet 47045, Orphanet 576349, MedGen C4015276, MONDO:0014498, OMIM 616115.

Submission:

Labcorp Genetics (formerly Invitae), Labcorp
Classification: Uncertain significance for Periodic fever-infantile enterocolitis-autoinflammatory syndrome; Familial cold autoinflammatory syndrome 4. Last evaluated: 2025-03-31. Review status: criteria provided, single submitter. Criteria: Invitae Variant Classification Sherloc (09022015). Collection method: clinical testing. Allele origin: germline.
Comment: This sequence change falls in intron 7 of the NLRC4 gene. It does not directly change the encoded amino acid sequence of the NLRC4 protein. This variant is not present in population databases (gnomAD no frequency). This variant has not been reported in the literature in individuals affected with NLRC4-related conditions. Algorithms developed to predict the effect of sequence changes on RNA splicing suggest that this variant may create or strengthen a splice site. In summary, the available evidence is currently insufficient to determine the role of this variant in disease. Therefore, it has been classified as a Variant of Uncertain Significance.

NM_001199138.2(NLRC4):c.2615-14T>C

Gene: NLRC4 (NLR family CARD domain containing 4; minus strand). Cytogenetic location: 2p22.3.
Variant type: single nucleotide variant.
Coding change: c.2615-14T>C on transcript NM_001199138.2 (MANE Select); 14 bases into the intron before coding-DNA position 2615, T replaced by C.
Molecular consequence: intron variant.
Genome position (GRCh38, 1-based): chr2:32,235,582, A>G on the plus strand (T>C on the coding strand, the complement: NLRC4 is on the minus strand). VCF-style: chr2-32235582-A-G. GRCh37 (hg19) VCF-style: chr2-32460651-A-G.
Other names: c.620-14T>C (NM_001302504.1); c.2615-14T>C (NM_021209.4, NM_001199139.1).
Identifiers: ClinVar variation 4791176 (VCV004791176.1).
Genomic context (GRCh38, chr2:32,235,582, plus strand): 5'-GGGCAGCATCAGTGCGGTGAGCTGTTCTAGCACGTTCATCCTGTCGACTGGAAGAAACAA[A>G]GAGCAGTTCAGGGACTGGATGGTCTCAAAACTGAGGAAGAACAAAGGGGTGTTAGGGGAG-3'